The following is an entry in ClinVar:

ClinVar aggregate classification (germline): Uncertain significance (1 of 4 stars; one submission).

Allele frequency attached by ClinVar (database versions not stated): gnomAD exomes below 0.00001.
gnomAD v4.1: 1 of 1,605,814 alleles (0.000062%); no homozygotes.

Submission:

GeneDx
Classification: Uncertain significance. Last evaluated: 2020-06-16. Review status: criteria provided, single submitter. Criteria: GeneDx Variant Classification Process June 2021. Collection method: clinical testing. Allele origin: germline. Affected: yes.
Comment: In silico analysis supports that this missense variant does not alter protein structure/function; Has not been previously published as pathogenic or benign to our knowledge

NM_006946.4(SPTBN2):c.5090G>A (p.Cys1697Tyr)

Gene: SPTBN2 (spectrin beta, non-erythrocytic 2; minus strand). Cytogenetic location: 11q13.2.
Variant type: single nucleotide variant.
Coding change: c.5090G>A on transcript NM_006946.4 (MANE Select); coding-DNA position 5090, G replaced by A.
Protein change: p.Cys1697Tyr; replaces cysteine 1697 with tyrosine.
Molecular consequence: missense variant.
Genome position (GRCh38, 1-based): chr11:66,692,636, C>T on the plus strand (G>A on the coding strand, the complement: SPTBN2 is on the minus strand). VCF-style: chr11-66692636-C-T. GRCh37 (hg19) VCF-style: chr11-66460107-C-T.
Other names: short protein forms C1697Y.
Identifiers: ClinVar variation 1312685 (VCV001312685.2), dbSNP rs1161277822, ClinGen allele CA381467879.